The following is an entry in ClinVar:

NM_001286577.2(C2CD3):c.377T>C (p.Ile126Thr)

Gene: C2CD3 (C2 domain containing 3 centriole elongation regulator; minus strand). Cytogenetic location: 11q13.4.
Variant type: single nucleotide variant.
Coding change: c.377T>C on transcript NM_001286577.2 (MANE Select); coding-DNA position 377, T replaced by C.
Protein change: p.Ile126Thr; replaces isoleucine 126 with threonine.
Molecular consequence: missense variant.
Genome position (GRCh38, 1-based): chr11:74,161,505, A>G on the plus strand (T>C on the coding strand, the complement: C2CD3 is on the minus strand). VCF-style: chr11-74161505-A-G. GRCh37 (hg19) VCF-style: chr11-73872550-A-G.
Other names: c.377T>C, p.Ile126Thr (NM_015531.6); short protein forms I126T.
Identifiers: ClinVar variation 1945812 (VCV001945812.4), dbSNP rs199662661, ClinGen allele CA224523351.

ClinVar aggregate classification (germline): Uncertain significance (1 of 4 stars; one submission).

Allele frequency attached by ClinVar (database versions not stated): TOPMed 0.00001.
gnomAD v4.1: 5 of 1,595,364 alleles (0.00031%); highest among the groups gnomAD compares: Middle Eastern, 0.017%; no homozygotes.

Submission:

Labcorp Genetics (formerly Invitae), Labcorp
Classification: Uncertain significance. Last evaluated: 2022-02-24. Review status: criteria provided, single submitter. Criteria: Invitae Variant Classification Sherloc (09022015). Collection method: clinical testing. Allele origin: germline.
Comment: In summary, the available evidence is currently insufficient to determine the role of this variant in disease. Therefore, it has been classified as a Variant of Uncertain Significance. Algorithms developed to predict the effect of missense changes on protein structure and function are either unavailable or do not agree on the potential impact of this missense change (SIFT: "Deleterious"; PolyPhen-2: "Possibly Damaging"; Align-GVGD: "Class C0"). This variant has not been reported in the literature in individuals affected with C2CD3-related conditions. This variant is not present in population databases (gnomAD no frequency). This sequence change replaces isoleucine, which is neutral and non-polar, with threonine, which is neutral and polar, at codon 126 of the C2CD3 protein (p.Ile126Thr).